The following is an entry in ClinVar:

ClinVar aggregate classification (germline): Likely benign. Review status: criteria provided, multiple submitters, no conflicts (2 of 4 stars). 5 submissions from 5 submitters: Likely benign (4). 1 of the submissions does not count toward it. Last evaluated 2025-06-03.

Conditions:
ITPR1-related disorder. Also called: ITPR1-related condition.

Allele frequency attached by ClinVar (database versions not stated): gnomAD 0.00001; ExAC 0.00002; gnomAD exomes 0.00002 and 0.00004.
gnomAD v4.1: 36 of 1,613,838 alleles (0.0022%); highest among the groups gnomAD compares: Non-Finnish European, 0.0031%; no homozygotes.

Submissions (5):

Labcorp Genetics (formerly Invitae), Labcorp
Classification: Likely benign. Last evaluated: 2025-06-03. Review status: criteria provided, single submitter. Criteria: Invitae Variant Classification Sherloc (09022015). Collection method: clinical testing. Allele origin: germline.

Blueprint Genetics
Classification: Likely benign. Last evaluated: 2024-11-22. Review status: criteria provided, single submitter. Criteria: ACMG Guidelines, 2015. Collection method: clinical testing. Allele origin: germline.

CeGaT Center for Human Genetics Tuebingen
Classification: Likely benign. Last evaluated: 2023-07-01. Review status: criteria provided, single submitter. Criteria: CeGaT Center For Human Genetics Tuebingen Variant Classification Criteria Version 2. Collection method: clinical testing. Allele origin: germline. Affected: yes. Observed: 1 variant allele.
Comment: ITPR1: BP4, BP7

Breakthrough Genomics
Classification: Likely benign. Review status: criteria provided, single submitter. Criteria: ACMG Guidelines, 2015. Collection method: not provided. Allele origin: germline. Inheritance: Autosomal dominant inheritance. Affected: yes.

PreventionGenetics, part of Exact Sciences
Classification: Likely benign for ITPR1-related condition. Last evaluated: 2019-06-26. Review status: no assertion criteria provided. Collection method: clinical testing. Allele origin: germline. Not counted in ClinVar's aggregate classification.
Comment: This variant is classified as likely benign based on ACMG/AMP sequence variant interpretation guidelines (Richards et al. 2015 PMID: 25741868, with internal and published modifications).

NM_001378452.1(ITPR1):c.7428C>T (p.Ile2476=)

Gene: ITPR1 (inositol 1,4,5-trisphosphate receptor type 1; plus strand). Cytogenetic location: 3p26.1.
Variant type: single nucleotide variant.
Coding change: c.7428C>T on transcript NM_001378452.1 (MANE Select); coding-DNA position 7428, C replaced by T.
Protein change: p.Ile2476=; no amino-acid change (isoleucine 2476 retained).
Molecular consequence: synonymous variant.
Genome position (GRCh38, 1-based): chr3:4,811,420, C>T. VCF-style: chr3-4811420-C-T. GRCh37 (hg19) VCF-style: chr3-4853104-C-T.
Other names: c.7284C>T, p.Ile2428= (NM_001099952.4); c.7383C>T, p.Ile2461= (NM_001168272.2); c.7239C>T, p.Ile2413= (NM_002222.7); c.7239C>T (NM_002222.5).
Identifiers: ClinVar variation 1567754 (VCV001567754.35), dbSNP rs758670524, ClinGen allele CA2232832.
Genomic context (GRCh38, chr3:4,811,420, plus strand): 5'-TCTGATCCTCGTTTACCTGTTCTCAATAGTGGGCTATCTTTTCTTCAAGGATGACTTTAT[C>T]TTGGAAGTAGATAGGCTGCCCAATGAAACAGCTGTTCCAGGTGGGTTTGGGATCTTCTGA-3'
Protein context (NP_001365381.1, residues 2466-2486): VGYLFFKDDF[Ile2476=]LEVDRLPNET